The following is an entry in ClinVar:

NM_017617.5(NOTCH1):c.2265T>C (p.Asn755=)

Gene: NOTCH1 (notch receptor 1; minus strand). Cytogenetic location: 9q34.3.
Variant type: single nucleotide variant.
Coding change: c.2265T>C on transcript NM_017617.5 (MANE Select); coding-DNA position 2265, T replaced by C.
Protein change: p.Asn755=; no amino-acid change (asparagine 755 retained).
Molecular consequence: synonymous variant.
Genome position (GRCh38, 1-based): chr9:136,513,480, A>G on the plus strand (T>C on the coding strand, the complement: NOTCH1 is on the minus strand). VCF-style: chr9-136513480-A-G. GRCh37 (hg19) VCF-style: chr9-139407932-A-G.
Other names: p.Asn755=; c.2265T>C (NM_017617.4); c.2265T>C, p.Asn755= (LRG_1122t1).
Identifiers: ClinVar variation 384703 (VCV000384703.25), dbSNP rs2229971, ClinGen allele CA5341428.

ClinVar aggregate classification (germline): Benign. Review status: criteria provided, multiple submitters, no conflicts (2 of 4 stars). 14 submissions from 13 submitters: Benign (9). 5 of the submissions do not count toward it. Last evaluated 2026-02-04.

Conditions:
Adams-Oliver syndrome 5 (AOS5). Identifiers: Orphanet 974, MedGen C4014970, MONDO:0014459, OMIM 616028.
Familial thoracic aortic aneurysm and aortic dissection (TAAD). Also called: Thoracic aortic aneurysms and dissections. Identifiers: Orphanet 91387, MedGen C4707243, MONDO:0019625.
Aortic valve disease 1 (AOVD1). Identifiers: MedGen C3887892, MONDO:0024523, OMIM 109730.

Allele frequency attached by ClinVar (database versions not stated): gnomAD exomes 0.32338 and 0.40067; ESP Exome Variant Server 0.39746; ExAC 0.39770; gnomAD 0.42846 and 0.42989; TOPMed 0.44280; 1000 Genomes Project 0.52776; 1000 Genomes Project 30x 0.52967.
gnomAD v4.1: 538,295 of 1,611,992 alleles (33%); highest among the groups gnomAD compares: East Asian, 77%; 101,261 homozygotes.

Submissions (14):

Labcorp Genetics (formerly Invitae), Labcorp
Classification: Benign for Adams-Oliver syndrome 5. Last evaluated: 2026-02-04. Review status: criteria provided, single submitter. Criteria: Invitae Variant Classification Sherloc (09022015). Collection method: clinical testing. Allele origin: germline.

Blueprint Genetics
Classification: Benign. Last evaluated: 2024-11-27. Review status: criteria provided, single submitter. Criteria: ACMG Guidelines, 2015. Collection method: clinical testing. Allele origin: germline.

Women's Health and Genetics/Laboratory Corporation of America, LabCorp
Classification: Benign. Last evaluated: 2023-04-04. Review status: criteria provided, single submitter. Criteria: LabCorp Variant Classification Summary - May 2015. Collection method: clinical testing. Allele origin: germline.

Genome-Nilou Lab
Classification: Benign for Adams-Oliver syndrome 5. Last evaluated: 2022-03-15. Review status: criteria provided, single submitter. Criteria: ACMG Guidelines, 2015. Collection method: clinical testing. Allele origin: germline. Affected: no.

Genome-Nilou Lab
Classification: Benign for Aortic valve disease 1. Last evaluated: 2022-03-15. Review status: criteria provided, single submitter. Criteria: ACMG Guidelines, 2015. Collection method: clinical testing. Allele origin: germline. Affected: no.

Mayo Clinic Laboratories, Mayo Clinic
Classification: Benign. Last evaluated: 2017-11-10. Review status: criteria provided, single submitter. Criteria: ACMG Guidelines, 2015. Collection method: clinical testing. Allele origin: germline. Observed: 857 variant alleles.

GeneDx
Classification: Benign. Last evaluated: 2016-09-22. Review status: criteria provided, single submitter. Criteria: GeneDx Variant Classification (06012015). Collection method: clinical testing. Allele origin: germline. Affected: yes.
Comment: This variant is considered likely benign or benign based on one or more of the following criteria: it is a conservative change, it occurs at a poorly conserved position in the protein, it is predicted to be benign by multiple in silico algorithms, and/or has population frequency not consistent with disease.

Ambry Genetics
Classification: Benign for Familial thoracic aortic aneurysm and aortic dissection. Last evaluated: 2014-12-30. Review status: criteria provided, single submitter. Criteria: Ambry Variant Classification Scheme 2023. Collection method: clinical testing. Allele origin: germline.

Breakthrough Genomics
Classification: Benign. Review status: criteria provided, single submitter. Criteria: ACMG Guidelines, 2015. Collection method: not provided. Allele origin: germline. Inheritance: Autosomal dominant inheritance. Affected: yes.

Clinical Genetics DNA and cytogenetics Diagnostics Lab, Erasmus MC, Erasmus Medical Center
Classification: Benign. Review status: no assertion criteria provided. Collection method: clinical testing. Allele origin: germline. Affected: yes. Study: VKGL Data-share Consensus. Not counted in ClinVar's aggregate classification.

Clinical Genetics, Academic Medical Center
Classification: Benign. Review status: no assertion criteria provided. Collection method: clinical testing. Allele origin: germline. Affected: yes. Study: VKGL Data-share Consensus. Not counted in ClinVar's aggregate classification.

Diagnostic Laboratory, Department of Genetics, University Medical Center Groningen
Classification: Likely benign for Aortic valve disease 1. Review status: no assertion criteria provided. Collection method: clinical testing. Allele origin: germline. Affected: yes. Study: VKGL Data-share Consensus. Not counted in ClinVar's aggregate classification.

Genome Diagnostics Laboratory, Amsterdam University Medical Center
Classification: Benign. Review status: no assertion criteria provided. Collection method: clinical testing. Allele origin: germline. Affected: yes. Study: VKGL Data-share Consensus. Not counted in ClinVar's aggregate classification.

Joint Genome Diagnostic Labs from Nijmegen and Maastricht, Radboudumc and MUMC+
Classification: Benign. Review status: no assertion criteria provided. Collection method: clinical testing. Allele origin: germline. Affected: yes. Study: VKGL Data-share Consensus. Not counted in ClinVar's aggregate classification.

Literature cited by the submitters: PubMed 24943832 (cited by Women's Health and Genetics/Laboratory Corporation of America, LabCorp); PubMed 16614245 (cited by Women's Health and Genetics/Laboratory Corporation of America, LabCorp); PubMed 21670202 (cited by Women's Health and Genetics/Laboratory Corporation of America, LabCorp); PubMed 22210878 (cited by Women's Health and Genetics/Laboratory Corporation of America, LabCorp); PubMed 19635999 (cited by Women's Health and Genetics/Laboratory Corporation of America, LabCorp); PubMed 26837699 (cited by Women's Health and Genetics/Laboratory Corporation of America, LabCorp); PubMed 23086750 (cited by Women's Health and Genetics/Laboratory Corporation of America, LabCorp); PubMed 19245433 (cited by Women's Health and Genetics/Laboratory Corporation of America, LabCorp); PubMed 22077063 (cited by Women's Health and Genetics/Laboratory Corporation of America, LabCorp); PubMed 15472075 (cited by Women's Health and Genetics/Laboratory Corporation of America, LabCorp); PubMed 23734977 (cited by Women's Health and Genetics/Laboratory Corporation of America, LabCorp); PubMed 22858860 (cited by Women's Health and Genetics/Laboratory Corporation of America, LabCorp).